The following is an entry in ClinVar:

NM_001365536.1(SCN9A):c.76C>T (p.Arg26Cys)

Gene: SCN9A (sodium voltage-gated channel alpha subunit 9; minus strand). Cytogenetic location: 2q24.3.
Variant type: single nucleotide variant.
Coding change: c.76C>T on transcript NM_001365536.1 (MANE Select); coding-DNA position 76, C replaced by T.
Protein change: p.Arg26Cys; replaces arginine 26 with cysteine.
Molecular consequence: missense variant.
Genome position (GRCh38, 1-based): chr2:166,311,681, G>A on the plus strand (C>T on the coding strand, the complement: SCN9A is on the minus strand). VCF-style: chr2-166311681-G-A. GRCh37 (hg19) VCF-style: chr2-167168191-G-A.
Other names: c.76C>T, p.Arg26Cys (NM_002977.4); short protein forms R26C.
Identifiers: ClinVar variation 245873 (VCV000245873.13), dbSNP rs199933920, ClinGen allele CA1944893.
Genomic context (GRCh38, chr2:166,311,681, plus strand): 5'-CTTCTTCATCATCATCTTTCTTTTCTTCTTTGGGTTCCTTTGATTTTCTTTCAGCAATGC[G>A]TTGTTCAATGAGGGCAAGAGACTGTTTTGTGAAATGGACAAAGCTCTGAGGTCCTGGGGG-3'
Protein context (NP_001352465.1, residues 16-36): TKQSLALIEQ[Arg26Cys]IAERKSKEPK

ClinVar aggregate classification (germline): Uncertain significance. Review status: criteria provided, multiple submitters, no conflicts (2 of 4 stars). 5 submissions from 5 submitters: Uncertain significance (5). Last evaluated 2026-04-22.

Conditions:
SCN9A-related disorder. Also called: SCN9A-related disorders; SCN9A-related condition.
Primary erythromelalgia. Also called: SCN9A Erythromelalgia (SCN9A-EM); primary erythermalgia. Identifiers: Orphanet 306577, Orphanet 90026, MedGen C0014805, MONDO:0007571, OMIM 133020.
Channelopathy-associated congenital insensitivity to pain, autosomal recessive. Also called: ASYMBOLIA FOR PAIN; CONGENITAL ANALGESIA, AUTOSOMAL RECESSIVE; Insensitivity to pain, channelopathy-associated. Identifiers: Orphanet 88642, Orphanet 970, MedGen C1855739, MONDO:0009459, OMIM 243000.
Paroxysmal extreme pain disorder (PEXPD). Also called: PAIN, SUBMANDIBULAR, OCULAR, AND RECTAL, WITH FLUSHING; SCN9A Paroxysmal Extreme Pain Disorder (SCN9A-PEPD); RECTAL PAIN, FAMILIAL. Identifiers: Orphanet 46348, MedGen C1833661, MONDO:0008179, OMIM 167400.
Neuropathy, hereditary sensory and autonomic, type 2A (HSAN2A). Also called: ACROOSTEOLYSIS, GIACCAI TYPE; ACROOSTEOLYSIS, NEUROGENIC; MORVAN DISEASE; NEUROPATHY, CONGENITAL SENSORY; NEUROPATHY, HEREDITARY SENSORY RADICULAR, AUTOSOMAL RECESSIVE; NEUROPATHY, HEREDITARY SENSORY, TYPE IIA. Identifiers: Orphanet 970, MedGen C2752089, MONDO:0024309, OMIM 201300.
Inborn genetic diseases. Identifiers: MedGen C0950123, MeSH D030342.
Generalized epilepsy with febrile seizures plus, type 7 (GEFSP7). Also called: GEFS+, TYPE 7. Identifiers: Orphanet 36387, MedGen C2751778, MONDO:0013470, OMIM 613863.

Allele frequency attached by ClinVar (database versions not stated): TOPMed 0.00003; ExAC 0.00004; gnomAD exomes 0.00004 and 0.00009; gnomAD 0.00005; ESP Exome Variant Server 0.00008.
gnomAD v4.1: 131 of 1,613,090 alleles (0.0081%); highest among the groups gnomAD compares: Non-Finnish European, 0.01%; no homozygotes.

Submissions (5):

PreventionGenetics, part of Exact Sciences
Classification: Uncertain significance for SCN9A-related condition. Last evaluated: 2026-04-22. Review status: criteria provided, single submitter. Criteria: ACMG Guidelines, 2015. Collection method: clinical testing. Allele origin: germline.
Comment: The SCN9A c.76C>T variant is predicted to result in the amino acid substitution p.Arg26Cys. To our knowledge, this variant has not been reported in the literature. This variant is reported in 0.0098% of alleles in individuals of South Asian descent in gnomAD. At this time, the clinical significance of this variant is uncertain due to the absence of conclusive functional and genetic evidence.

Labcorp Genetics (formerly Invitae), Labcorp
Classification: Uncertain significance for Neuropathy, hereditary sensory and autonomic, type 2A; Generalized epilepsy with febrile seizures plus, type 7. Last evaluated: 2025-09-24. Review status: criteria provided, single submitter. Criteria: Invitae Variant Classification Sherloc (09022015). Collection method: clinical testing. Allele origin: germline.
Comment: This sequence change replaces arginine, which is basic and polar, with cysteine, which is neutral and slightly polar, at codon 26 of the SCN9A protein (p.Arg26Cys). This variant is present in population databases (rs199933920, gnomAD 0.01%). This variant has not been reported in the literature in individuals affected with SCN9A-related conditions. ClinVar contains an entry for this variant (Variation ID: 245873). Invitae Evidence Modeling of protein sequence and biophysical properties (such as structural, functional, and spatial information, amino acid conservation, physicochemical variation, residue mobility, and thermodynamic stability) has been performed for this missense variant. However, the output from this modeling did not meet the statistical confidence thresholds required to predict the impact of this variant on SCN9A protein function. In summary, the available evidence is currently insufficient to determine the role of this variant in disease. Therefore, it has been classified as a Variant of Uncertain Significance.

Fulgent Genetics
Classification: Uncertain significance for Primary erythromelalgia; Paroxysmal extreme pain disorder; Neuropathy, hereditary sensory and autonomic, type 2A; Channelopathy-associated congenital insensitivity to pain, autosomal recessive. Last evaluated: 2022-05-19. Review status: criteria provided, single submitter. Criteria: ACMG Guidelines, 2015. Collection method: clinical testing. Allele origin: unknown.

Ambry Genetics
Classification: Uncertain significance for Inborn genetic diseases. Last evaluated: 2019-12-23. Review status: criteria provided, single submitter. Criteria: Ambry Variant Classification Scheme 2023. Collection method: clinical testing. Allele origin: germline.
Comment: The p.R26C variant (also known as c.76C>T), located in coding exon 1 of the SCN9A gene, results from a C to T substitution at nucleotide position 76. The arginine at codon 26 is replaced by cysteine, an amino acid with highly dissimilar properties. This amino acid position is highly conserved in available vertebrate species. In addition, this alteration is predicted to be deleterious by in silico analysis. Since supporting evidence is limited at this time, the clinical significance of this alteration remains unclear.

GeneDx
Classification: Uncertain significance. Last evaluated: 2015-08-28. Review status: criteria provided, single submitter. Criteria: GeneDx Variant Classification (06012015). Collection method: clinical testing. Allele origin: germline. Affected: yes.
Comment: The R26C variant has not been published as pathogenic, nor has it been reported as a benign polymorphism to our knowledge. It was not observed with any significant frequency in approximately 6,000 individuals of European and African American ancestry in the NHLBI Exome Sequencing Project. The R26C variant is a non-conservative amino acid substitution, which is likely to impact secondary protein structure as these residues differ in polarity, charge, size and/or other properties. This substitution occurs at a position that is conserved across species, and in silico analysis predicts this variant is probably damaging to the protein structure/function. However, missense variants in nearby residues have not been reported in association with SCN9A-related disorders (Stenson et al., 2014). Therefore, based on the currently available information, it is unclear whether this variant is a pathogenic variant or a rare benign variant.